The following is an entry in ClinVar:

ClinVar aggregate classification (germline): Conflicting classifications of pathogenicity. Review status: criteria provided, conflicting classifications (1 of 4 stars). 3 submissions from 3 submitters: Uncertain significance (2); Likely benign (1). Last evaluated 2023-11-02.

Conditions:
Hereditary cancer-predisposing syndrome. Also called: Hereditary Cancer Syndrome; Hereditary neoplastic syndrome; Neoplastic Syndromes, Hereditary; Tumor predisposition. Identifiers: Orphanet 140162, MedGen C0027672, MeSH D009386, MONDO:0015356.
Breast-ovarian cancer, familial, susceptibility to, 1 (BROVCA1). Also called: OVARIAN CANCER, SUSCEPTIBILITY TO; BRCA1 Hereditary Breast and Ovarian Cancer. Identifiers: Orphanet 145, MedGen C2676676, MONDO:0011450, OMIM 604370. Disease mechanism: loss of function.

Submissions (3):

All of Us Research Program, National Institutes of Health
Classification: Uncertain significance for Breast-ovarian cancer, familial, susceptibility to, 1. Last evaluated: 2023-11-02. Review status: criteria provided, single submitter. Criteria: ACMG Guidelines, 2015. Collection method: clinical testing. Allele origin: germline. Inheritance: Autosomal dominant inheritance. Observed: 1 variant allele, 1 heterozygote.
Comment: This missense variant replaces aspartic acid with valine at codon 1362 of the BRCA1 protein. Computational prediction is inconclusive regarding the impact of this variant on protein structure and function (internally defined REVEL score threshold 0.5 < inconclusive < 0.7, PMID: 27666373). To our knowledge, functional studies have not been reported for this variant. This variant has not been reported in individuals affected with BRCA1-related disorders in the literature. This variant has not been identified in the general population by the Genome Aggregation Database (gnomAD). The available evidence is insufficient to determine the role of this variant in disease conclusively. Therefore, this variant is classified as a Variant of Uncertain Significance.

This study involves interpretation of variants in research participants for the purpose of population health screening. Participant phenotype was not available at the time of variant classification. Additional details can be found in publication PMID: 35346344, PMCID: PMC8962531

University of Washington Department of Laboratory Medicine, University of Washington
Classification: Likely benign for Hereditary cancer-predisposing syndrome. Last evaluated: 2023-03-23. Review status: criteria provided, single submitter. Criteria: Dines et al. (Genet Med. 2020). Collection method: curation. Allele origin: germline.
Comment: Missense variant in a coldspot region where missense variants are very unlikely to be pathogenic (PMID:31911673).

BRCA1 coldspot (exon 11 using historical exon numbering). Reclassification based on statistical prior probability

Ambry Genetics
Classification: Uncertain significance for Hereditary cancer-predisposing syndrome. Last evaluated: 2019-10-15. Review status: criteria provided, single submitter. Criteria: Ambry Variant Classification Scheme 2023. Collection method: clinical testing. Allele origin: germline.
Comment: The p.D1362V variant (also known as c.4085A>T), located in coding exon 9 of the BRCA1 gene, results from an A to T substitution at nucleotide position 4085. The aspartic acid at codon 1362 is replaced by valine, an amino acid with highly dissimilar properties. This amino acid position is poorly conserved in available vertebrate species. In addition, the in silico prediction for this alteration is inconclusive. Since supporting evidence is limited at this time, the clinical significance of this alteration remains unclear.

NM_007294.4(BRCA1):c.4085A>T (p.Asp1362Val)

Genes: BRCA1 (BRCA1 DNA repair associated; minus strand), LOC126862571 (BRD4-independent group 4 enhancer GRCh37_chr17:41243136-41244335; plus strand). Cytogenetic location: 17q21.31.
Variant type: single nucleotide variant.
Coding change: c.4085A>T on transcript NM_007294.4 (MANE Select); coding-DNA position 4085, A replaced by T.
Protein change: p.Asp1362Val; replaces aspartic acid 1362 with valine.
Molecular consequence: missense variant. On other transcripts: intron variant (135).
Genome position (GRCh38, 1-based): chr17:43,091,446, T>A on the plus strand (A>T on the coding strand, the complement: BRCA1 is on the minus strand). VCF-style: chr17-43091446-T-A. GRCh37 (hg19) VCF-style: chr17-41243463-T-A.
Other names: c.4085A>T, p.Asp1362Val (NM_001407624.1, NM_001407625.1, NM_001407626.1 and 30 more transcripts); c.4082A>T, p.Asp1361Val (NM_001407627.1, NM_001407628.1, NM_001407629.1 and 22 more transcripts); c.4076A>T, p.Asp1359Val (NM_001407646.1, NM_001407647.1); c.3962A>T, p.Asp1321Val (NM_001407648.1, NM_001407664.1, NM_001407665.1 and 19 more transcripts); c.3959A>T, p.Asp1320Val (NM_001407649.1, NM_001407670.1, NM_001407671.1 and 11 more transcripts); c.4007A>T, p.Asp1336Val (NM_001407653.1, NM_001407654.1, NM_001407655.1 and 4 more transcripts); c.4004A>T, p.Asp1335Val (NM_001407659.1, NM_001407660.1, NM_001407661.1 and 1 more transcripts); c.3944A>T, p.Asp1315Val (NM_001407692.1, NM_001407694.1, NM_001407695.1 and 29 more transcripts); and 41 more; short protein forms D1315V, D1362V, D1194V, D1235V, D1250V, D1294V, D1335V, D1359V.
Identifiers: ClinVar variation 824578 (VCV000824578.8), dbSNP rs1597859423, ClinGen allele CA10593787.